The following is an entry in ClinVar:

NM_001386795.1(DTNA):c.448+238C>A

Gene: DTNA (dystrobrevin alpha; plus strand). Cytogenetic location: 18q12.1.
Variant type: single nucleotide variant.
Coding change: c.448+238C>A on transcript NM_001386795.1 (MANE Select); 238 bases into the intron after coding-DNA position 448, C replaced by A.
Molecular consequence: intron variant.
Genome position (GRCh38, 1-based): chr18:34,806,542, C>A. VCF-style: chr18-34806542-C-A. GRCh37 (hg19) VCF-style: chr18-32386506-C-A.
Other names: c.448+238C>A (NM_032975.4, NM_001386761.1, NM_001386762.1 and 35 more transcripts).
Identifiers: ClinVar variation 678531 (VCV000678531.1), dbSNP rs9963765, ClinGen allele CA298589343.
Genomic context (GRCh38, chr18:34,806,542, plus strand): 5'-TAAATGCTAATGAAATGAATGTTTTCCTCTACTTATAACCTGTTGAGTATCACCAACTGG[C>A]CTCTTTCTGAAATTAAAGTAAAATAAGCACTCTTTGCAGTTAATTGTGTTATACTGCCTT-3'

ClinVar aggregate classification (germline): Benign (1 of 4 stars; one submission).

Allele frequency attached by ClinVar (database versions not stated): gnomAD 0.05112 and 0.05466; 1000 Genomes Project 0.05491; TOPMed 0.05891; 1000 Genomes Project 30x 0.06199.
gnomAD v4.1: 7,704 of 152,252 alleles (5.1%); highest among the groups gnomAD compares: African/African-American, 18%; 668 homozygotes.

Submission:

GeneDx
Classification: Benign. Last evaluated: 2018-06-14. Review status: criteria provided, single submitter. Criteria: GeneDx Variant Classification (06012015). Collection method: clinical testing. Allele origin: germline. Affected: yes.
Comment: This variant is considered likely benign or benign based on one or more of the following criteria: it is a conservative change, it occurs at a poorly conserved position in the protein, it is predicted to be benign by multiple in silico algorithms, and/or has population frequency not consistent with disease.